The following is an entry in ClinVar:

NM_001429.4(EP300):c.2134T>C (p.Leu712=)

Gene: EP300 (EP300 lysine acetyltransferase; plus strand). Cytogenetic location: 22q13.2.
Variant type: single nucleotide variant.
Coding change: c.2134T>C on transcript NM_001429.4 (MANE Select); coding-DNA position 2134, T replaced by C.
Protein change: p.Leu712=; no amino-acid change (leucine 712 retained).
Molecular consequence: synonymous variant.
Genome position (GRCh38, 1-based): chr22:41,147,839, T>C. VCF-style: chr22-41147839-T-C. GRCh37 (hg19) VCF-style: chr22-41543843-T-C.
Other names: c.2056T>C, p.Leu686= (NM_001362843.2); c.2134T>C (NM_001429.3).
Identifiers: ClinVar variation 4084858 (VCV004084858.10).

ClinVar aggregate classification (germline): Likely benign. Review status: criteria provided, multiple submitters, no conflicts (2 of 4 stars). 3 submissions from 3 submitters: Likely benign (3). Last evaluated 2025-11-02.

Conditions:
EP300-related disorder. Also called: EP300-related condition; EP300-related disorders.
Rubinstein-Taybi syndrome due to EP300 haploinsufficiency. Also called: EP300-Related Rubinstein-Taybi Syndrome; RUBINSTEIN-TAYBI SYNDROME 2. Identifiers: Orphanet 353284, Orphanet 783, MedGen C3150941, MONDO:0013364, OMIM 613684.

gnomAD v4.1: 11 of 1,612,066 alleles (0.00068%); highest among the groups gnomAD compares: Non-Finnish European, 0.00076%; no homozygotes.

Submissions (3):

Labcorp Genetics (formerly Invitae), Labcorp
Classification: Likely benign for Rubinstein-Taybi syndrome due to EP300 haploinsufficiency. Last evaluated: 2025-11-02. Review status: criteria provided, single submitter. Criteria: Invitae Variant Classification Sherloc (09022015). Collection method: clinical testing. Allele origin: germline.

CeGaT Center for Human Genetics Tuebingen
Classification: Likely benign. Last evaluated: 2025-07-01. Review status: criteria provided, single submitter. Criteria: CeGaT Center For Human Genetics Tuebingen Variant Classification Criteria Version 2. Collection method: clinical testing. Allele origin: germline. Affected: yes. Observed: 1 variant allele.
Comment: EP300: BP4, BP7

PreventionGenetics, part of Exact Sciences
Classification: Likely benign for EP300-related condition. Last evaluated: 2025-05-16. Review status: criteria provided, single submitter. Criteria: ACMG Guidelines, 2015. Collection method: clinical testing. Allele origin: germline.
Comment: This variant is classified as likely benign based on ACMG/AMP sequence variant interpretation guidelines (Richards et al. 2015 PMID: 25741868, with internal and published modifications).